The following is an entry in ClinVar:

ClinVar aggregate classification (germline): Uncertain significance (1 of 4 stars; one submission).

Submission:

GeneDx
Classification: Uncertain significance. Last evaluated: 2023-05-23. Review status: criteria provided, single submitter. Criteria: GeneDx Variant Classification Process June 2021. Collection method: clinical testing. Allele origin: germline. Affected: yes.
Comment: Variants in candidate genes are classified as variants of uncertain significance in accordance with ACMG guidelines (Richards et al., 2015); Not observed at significant frequency in large population cohorts (gnomAD); In silico analysis supports that this missense variant has a deleterious effect on protein structure/function; In silico analysis is inconclusive as to whether the variant alters gene splicing. In the absence of RNA/functional studies, the actual effect of this sequence change is unknown.; Has not been previously published as pathogenic or benign to our knowledge

NM_001370785.2(LRRC7):c.473T>C (p.Ile158Thr)

Gene: LRRC7 (leucine rich repeat containing 7; plus strand). Cytogenetic location: 1p31.1.
Variant type: single nucleotide variant.
Coding change: c.473T>C on transcript NM_001370785.2 (MANE Select); coding-DNA position 473, T replaced by C.
Protein change: p.Ile158Thr; replaces isoleucine 158 with threonine.
Molecular consequence: missense variant.
Genome position (GRCh38, 1-based): chr1:69,825,799, T>C. VCF-style: chr1-69825799-T-C. GRCh37 (hg19) VCF-style: chr1-70291482-T-C.
Other names: NM_020794.2:c.359T>C; c.374T>C, p.Ile125Thr (NM_001330635.3, NM_001366837.3, NM_001366839.3 and 1 more transcripts); c.476T>C, p.Ile159Thr (NM_001350216.3, NM_001366840.1); c.473T>C, p.Ile158Thr (NM_001366836.3, NM_001366838.3); c.530T>C, p.Ile177Thr (NM_001366842.1); short protein forms I125T, I158T, I159T, I177T.
Identifiers: ClinVar variation 3343613 (VCV003343613.1).